The following is an entry in ClinVar:

NM_001104631.2(PDE4D):c.113A>G (p.His38Arg)

Gene: PDE4D (phosphodiesterase 4D; minus strand). Cytogenetic location: 5q12.1.
Variant type: single nucleotide variant.
Coding change: c.113A>G on transcript NM_001104631.2 (MANE Select); coding-DNA position 113, A replaced by G.
Protein change: p.His38Arg; replaces histidine 38 with arginine.
Molecular consequence: missense variant. On other transcripts: intron variant (5).
Genome position (GRCh38, 1-based): chr5:59,893,510, T>C on the plus strand (A>G on the coding strand, the complement: PDE4D is on the minus strand). VCF-style: chr5-59893510-T-C. GRCh37 (hg19) VCF-style: chr5-59189337-T-C.
Other names: c.272+94978A>G (NM_001364599.1, NM_001165899.2, NM_001364600.2); c.-240+94978A>G (NM_001349243.2); c.242+94978A>G (NM_001349241.2); short protein forms H38R.
Identifiers: ClinVar variation 1446901 (VCV001446901.8), dbSNP rs899317244, ClinGen allele CA119327224.

ClinVar aggregate classification (germline): Uncertain significance (1 of 4 stars; one submission).

Allele frequency attached by ClinVar (database versions not stated): gnomAD 0.00013 and 0.00014; TOPMed 0.00013.
gnomAD v4.1: 43 of 1,541,304 alleles (0.0028%); highest among the groups gnomAD compares: African/African-American, 0.057%; no homozygotes.

Submission:

Labcorp Genetics (formerly Invitae), Labcorp
Classification: Uncertain significance. Last evaluated: 2024-11-04. Review status: criteria provided, single submitter. Criteria: Invitae Variant Classification Sherloc (09022015). Collection method: clinical testing. Allele origin: germline.
Comment: This sequence change replaces histidine, which is basic and polar, with arginine, which is basic and polar, at codon 38 of the PDE4D protein (p.His38Arg). The frequency data for this variant in the population databases is considered unreliable, as metrics indicate poor data quality at this position in the gnomAD database. This variant has not been reported in the literature in individuals affected with PDE4D-related conditions. ClinVar contains an entry for this variant (Variation ID: 1446901). An algorithm developed to predict the effect of missense changes on protein structure and function (PolyPhen-2) suggests that this variant is likely to be tolerated. In summary, the available evidence is currently insufficient to determine the role of this variant in disease. Therefore, it has been classified as a Variant of Uncertain Significance.